The following is an entry in ClinVar:

NM_002382.5(MAX):c.172-6204G>T

Gene: MAX (MYC associated transcriptional regulator X; minus strand). Cytogenetic location: 14q23.3.
Variant type: single nucleotide variant.
Coding change: c.172-6204G>T on transcript NM_002382.5 (MANE Select); 6204 bases into the intron before coding-DNA position 172, G replaced by T.
Molecular consequence: intron variant. On other transcripts: missense variant (3), 3 prime UTR variant (1), non-coding transcript variant (4).
Genome position (GRCh38, 1-based): chr14:65,084,240, C>A on the plus strand (G>T on the coding strand, the complement: MAX is on the minus strand). VCF-style: chr14-65084240-C-A. GRCh37 (hg19) VCF-style: chr14-65550958-C-A.
Other names: c.204G>T, p.Gln68His (NM_001271068.2, NM_001407113.1); c.*5G>T (NM_001407114.1); c.231G>T, p.Gln77His (NM_145114.3); c.144+9468G>T (NM_001271069.2); c.171+9468G>T (NM_197957.4); c.-196-6204G>T (NM_001407112.1, NM_001407111.1); c.-103-6204G>T (NM_001407106.1, NM_001407107.1, NM_001320415.2 and 1 more transcripts); c.145-6204G>T (NM_001407095.1, NM_001407110.1, NM_001407102.1 and 6 more transcripts); and 2 more; short protein forms Q68H, Q77H.
Identifiers: ClinVar variation 5023953 (VCV005023953.1).

ClinVar aggregate classification (germline): Uncertain significance (1 of 4 stars; one submission).

Conditions:
Hereditary cancer-predisposing syndrome. Also called: Neoplastic Syndromes, Hereditary; Tumor predisposition; Hereditary neoplastic syndrome; Hereditary Cancer Syndrome. Identifiers: Orphanet 140162, MedGen C0027672, MeSH D009386, MONDO:0015356.

Submission:

Ambry Genetics
Classification: Uncertain significance for Hereditary cancer-predisposing syndrome. Last evaluated: 2026-07-06. Review status: criteria provided, single submitter. Criteria: Ambry Variant Classification Scheme 2023. Collection method: clinical testing. Allele origin: germline.
Comment: The p.Q77H variant (also known as c.231G>T), located in coding exon 4 of the MAX gene, results from a G to T substitution at nucleotide position 231. The glutamine at codon 77 is replaced by histidine, an amino acid with highly similar properties. This amino acid position is conserved. In addition, this alteration is predicted to be tolerated by in silico analysis. Based on the available evidence, the clinical significance of this variant remains unclear.